The following is an entry in ClinVar:

NM_133259.4(LRPPRC):c.1523C>G (p.Ser508Cys)

Gene: LRPPRC (leucine rich pentatricopeptide repeat containing; minus strand). Cytogenetic location: 2p21.
Variant type: single nucleotide variant.
Coding change: c.1523C>G on transcript NM_133259.4 (MANE Select); coding-DNA position 1523, C replaced by G.
Protein change: p.Ser508Cys; replaces serine 508 with cysteine.
Molecular consequence: missense variant.
Genome position (GRCh38, 1-based): chr2:43,960,600, G>C on the plus strand (C>G on the coding strand, the complement: LRPPRC is on the minus strand). VCF-style: chr2-43960600-G-C. GRCh37 (hg19) VCF-style: chr2-44187739-G-C.
Other names: short protein forms S508C.
Identifiers: ClinVar variation 2202084 (VCV002202084.4), dbSNP rs1673307831, ClinGen allele CA346678790.

ClinVar aggregate classification (germline): Uncertain significance (1 of 4 stars; one submission).

Allele frequency attached by ClinVar (database versions not stated): gnomAD exomes below 0.00001; TOPMed 0.00001.
gnomAD v4.1: 5 of 1,604,484 alleles (0.00031%); highest among the groups gnomAD compares: Non-Finnish European, 0.00034%; no homozygotes.

Submission:

Labcorp Genetics (formerly Invitae), Labcorp
Classification: Uncertain significance. Last evaluated: 2022-11-22. Review status: criteria provided, single submitter. Criteria: Invitae Variant Classification Sherloc (09022015). Collection method: clinical testing. Allele origin: germline.
Comment: This variant has not been reported in the literature in individuals affected with LRPPRC-related conditions. Advanced modeling of protein sequence and biophysical properties (such as structural, functional, and spatial information, amino acid conservation, physicochemical variation, residue mobility, and thermodynamic stability) performed at Invitae indicates that this missense variant is not expected to disrupt LRPPRC protein function. In summary, the available evidence is currently insufficient to determine the role of this variant in disease. Therefore, it has been classified as a Variant of Uncertain Significance. This variant is not present in population databases (gnomAD no frequency). This sequence change replaces serine, which is neutral and polar, with cysteine, which is neutral and slightly polar, at codon 508 of the LRPPRC protein (p.Ser508Cys).